The following is an entry in ClinVar:

NM_002693.3(POLG):c.1331dup (p.Tyr444Ter)

Gene: POLG (DNA polymerase gamma, catalytic subunit; minus strand). Cytogenetic location: 15q26.1.
Variant type: Duplication.
Coding change: c.1331dup on transcript NM_002693.3 (MANE Select); coding-DNA position 1331, one base duplicated (A; older notation c.1331dupA).
Protein change: p.Tyr444Ter; replaces tyrosine 444 with a stop codon.
Molecular consequence: nonsense.
Genome position (GRCh38, 1-based): chr15:89,327,269, T duplicated on the plus strand (A on the coding strand, the reverse complement: POLG is on the minus strand). VCF-style (leftmost placement, unchanged base first): chr15-89327268-G-GT. GRCh37 (hg19) VCF-style: chr15-89870499-G-GT.
Other names: c.1331dup, p.Tyr444Ter (NM_001126131.2); short protein forms Y444*.
Identifiers: ClinVar variation 5004717 (VCV005004717.1).

ClinVar aggregate classification (germline): Pathogenic (1 of 4 stars; one submission).

Conditions:
POLG-related disorder. Also called: POLG-related condition; POLG-Related Disorders; POLG-Related Spectrum Disorders. Identifiers: MedGen C4763519.

Submission:

Myriad Genetics, Inc.
Classification: Pathogenic for POLG-related disorder. Last evaluated: 2026-06-11. Review status: criteria provided, single submitter. Criteria: Myriad Autosomal Dominant, Autosomal Recessive and X-Linked Classification Criteria (2023). Collection method: clinical testing. Allele origin: unknown.
Comment: NM_002693.2(POLG):c.1331dupA(Y444*) is a frameshift variant classified as pathogenic in the context of POLG-related disorders. Y444* has not been observed in cases with relevant disease. Relevant functional assessments of this variant are not available in the literature. Y444* has not been observed in referenced population frequency databases. In summary, NM_002693.2(POLG):c.1331dupA(Y444*) is a frameshift variant in a gene where loss of function is a known mechanism of disease and is predicted to disrupt protein function. Please note: this variant was assessed in the context of healthy population screening.